The following continues an entry in ClinVar:

NM_000552.5(VWF):c.4751A>G (p.Tyr1584Cys)

Gene: VWF. ClinVar aggregate classification (germline): Conflicting classifications of pathogenicity; risk factor. Pathogenic (7); Likely pathogenic (14); Uncertain significance (7).

Submissions 34 to 38 of 38:

Department of Pathology and Laboratory Medicine, Sinai Health System
Classification: Uncertain significance. Review status: no assertion criteria provided. Collection method: clinical testing. Allele origin: unknown. Affected: yes. Study: The Canadian Open Genetics Repository (COGR). Not counted in ClinVar's aggregate classification.
Comment: The VWF p.Tyr1584Cys variant is commonly reported in associated with type 1 von Willebrand disease (VWD) and was originally identified in 21/150 patients with type 1 VWD from 70 families, however not all family members with the variant was affected with VWD suggesting incomplete penetrance (O'Brien_2003_PMID:12649144). The variant was also identified in 19/76 patients with VWD from 30 families, however the variant did not co-segregate with disease in four families, suggesting incomplete penetrance and that the variant may increase risk but not necessarily be causal for disease (Bowen_2005_PMID:15755288). The variant was identified in dbSNP (ID: rs1800386), LOVD 3.0 and in ClinVar (classified as likely pathogenic by Quest Diagnostics Nichols Institute San Juan Capistrano, pathogenic by Clinical Molecular Genetics Laboratory, Johns Hopkins All Children's Hospital and as a VUS by GeneDx and Ambry Genetics). The variant was not identified in Cosmic. The variant was found in control databases in 743 of 282486 chromosomes (4 homozygous) at a frequency of 0.00263 increasing the likelihood this could be a low frequency benign variant (Genome Aggregation Database Feb 27, 2017). The variant was observed in the following populations: European (non-Finnish) in 519 of 128972 chromosomes (freq: 0.004024), European (Finnish) in 86 of 25048 chromosomes (freq: 0.003433), Other in 22 of 7212 chromosomes (freq: 0.00305), Ashkenazi Jewish in 29 of 10358 chromosomes (freq: 0.0028), Latino in 60 of 35414 chromosomes (freq: 0.001694), African in 14 of 24934 chromosomes (freq: 0.000562) and South Asian in 13 of 30610 chromosomes (freq: 0.000425); it was not observed in the East Asian population. This variant was identified in another patient with mild hemophilia A who also had a variant in the FVIII gene (R2150C) (Boylan_2015_25780857). A study of a Nigerian population with a history of bleeding suggested that the Y1584C variant was significantly associated with bleeding compared to controls (Ezigbo_2017_28091443). Functional studies of the Y1584C variant have demonstrated conflicting results. One functional study of the Y1584C variant suggested normal function compared to wild-type as well as another functional study using patient derived blood outgrowth endothelial cells did not show any impaired function in the Y1584C mutant compared to healthy control cells (Growneveld_2014_PMID:25103891; Wang_2013_PMID:23426949). However another functional study of the Y1584C variant from patient blood outgrowth endothelial cells demonstrated impaired function including reduced VWF mRNA and protein expression compared to wild-type (Starke_2013_PMID:23355534). Further, mouse and cell models of the Y1584C variant suggested impaired function compared to wild-type (Pruss_2011_PMID:21346256). The variant occurs outside of the splicing consensus sequence however 2 of 4 in silico or computational prediction software programs (MaxEntScan, GeneSplicer) predict the loss of a 5' splice site. However this is not a known splice site and is only predicted by 2 of 4 programs (MaxEntScan, GeneSplicer) to be a 5' splice site with the wildtype allele. No in silico splicing programs (SpliceSiteFinder, MaxEntScan, NNSPLICE, GeneSplicer) predict a change in splicing at the consensus sequence. The p.Tyr1584 residue is conserved in mammals and computational analyses (PolyPhen-2, SIFT, AlignGVGD, BLOSUM, MutationTaster) provide inconsistent predictions regarding the impact to the protein; this information is not very predictive of pathogenicity. In summary, based on the above information the clinical significance of this variant cannot be determined with certainty at this time. This variant is classified as a variant of uncertain significance.

Diagnostic Laboratory, Department of Genetics, University Medical Center Groningen
Classification: Likely pathogenic. Review status: no assertion criteria provided. Collection method: clinical testing. Allele origin: germline. Affected: yes. Study: VKGL Data-share Consensus. Not counted in ClinVar's aggregate classification.

GeneReviews
No classification provided. Condition: von Willebrand disorder. Review status: no classification provided. Collection method: literature only. Allele origin: germline. Not counted in ClinVar's aggregate classification.

Genome Diagnostics Laboratory, University Medical Center Utrecht
Classification: Pathogenic. Review status: no assertion criteria provided. Collection method: clinical testing. Allele origin: germline. Affected: yes. Study: VKGL Data-share Consensus. Not counted in ClinVar's aggregate classification.

Joint Genome Diagnostic Labs from Nijmegen and Maastricht, Radboudumc and MUMC+
Classification: Pathogenic. Review status: no assertion criteria provided. Collection method: clinical testing. Allele origin: germline. Affected: yes. Study: VKGL Data-share Consensus. Not counted in ClinVar's aggregate classification.

Literature cited by the submitters: PubMed 12649144 (cited by 8 submitters); PubMed 14525793 (cited by 6 submitters); PubMed 15755288 (cited by 6 submitters); PubMed 16985174 (cited by 3 submitters); PubMed 17119126 (cited by Ambry Genetics and Quest Diagnostics Nichols Institute San Juan Capistrano); PubMed 20682599 (cited by Ambry Genetics and Quest Diagnostics Nichols Institute San Juan Capistrano); PubMed 21346256 (cited by 7 submitters); PubMed 23355534 (cited by Ambry Genetics and Quest Diagnostics Nichols Institute San Juan Capistrano); PubMed 38040335 (cited by Ambry Genetics and Center for Genomic Medicine, Rigshospitalet, Copenhagen University Hospital); PubMed 38947547 (cited by Ambry Genetics); PubMed 40368142 (cited by Ambry Genetics); PubMed 17080221 (cited by 3 submitters); PubMed 28971901 (cited by Women's Health and Genetics/Laboratory Corporation of America, LabCorp); PubMed 17190853 (cited by Women's Health and Genetics/Laboratory Corporation of America, LabCorp and Quest Diagnostics Nichols Institute San Juan Capistrano); PubMed 22197721 (cited by 3 submitters); PubMed 30817071 (cited by 5 submitters); PubMed 30722078 (cited by 3 submitters); PubMed 35197637 (cited by Women's Health and Genetics/Laboratory Corporation of America, LabCorp); PubMed 35552711 (cited by Women's Health and Genetics/Laboratory Corporation of America, LabCorp); PubMed 29427305 (cited by Victorian Clinical Genetics Services, Murdoch Childrens Research Institute); PubMed 30488424 (cited by Victorian Clinical Genetics Services, Murdoch Childrens Research Institute); PubMed 19372260 (cited by Victorian Clinical Genetics Services, Murdoch Childrens Research Institute); PubMed 33807613 (cited by Victorian Clinical Genetics Services, Murdoch Childrens Research Institute); PubMed 19506354 (cited by New York Genome Center and Quest Diagnostics Nichols Institute San Juan Capistrano); PubMed 20409624 (cited by New York Genome Center and Johns Hopkins Genomics, Johns Hopkins University); PubMed 28091443 (cited by New York Genome Center and Quest Diagnostics Nichols Institute San Juan Capistrano); PubMed 27380589 (cited by Laboratory for Molecular Medicine, Mass General Brigham Personalized Medicine and Quest Diagnostics Nichols Institute San Juan Capistrano); PubMed 25103891 (cited by Quest Diagnostics Nichols Institute San Juan Capistrano); PubMed 25780857 (cited by Quest Diagnostics Nichols Institute San Juan Capistrano); PubMed 27596108 (cited by Quest Diagnostics Nichols Institute San Juan Capistrano); PubMed 18162126 (cited by Quest Diagnostics Nichols Institute San Juan Capistrano); PubMed 18510569 (cited by Quest Diagnostics Nichols Institute San Juan Capistrano); PubMed 23426949 (cited by Quest Diagnostics Nichols Institute San Juan Capistrano); PubMed 31887760 (cited by Quest Diagnostics Nichols Institute San Juan Capistrano); PubMed 34828413 (cited by Quest Diagnostics Nichols Institute San Juan Capistrano); PubMed 31968368 (cited by Quest Diagnostics Nichols Institute San Juan Capistrano); PubMed 34708896 (cited by Quest Diagnostics Nichols Institute San Juan Capistrano); PubMed 34355501 (cited by Quest Diagnostics Nichols Institute San Juan Capistrano); PubMed 34596727 (cited by Quest Diagnostics Nichols Institute San Juan Capistrano); PubMed 15842375 (cited by Quest Diagnostics Nichols Institute San Juan Capistrano and Johns Hopkins Genomics, Johns Hopkins University); PubMed 33477601 (cited by Quest Diagnostics Nichols Institute San Juan Capistrano); PubMed 32108991 (cited by Quest Diagnostics Nichols Institute San Juan Capistrano); PubMed 33536631 (cited by Quest Diagnostics Nichols Institute San Juan Capistrano); PubMed 32609846 (cited by Quest Diagnostics Nichols Institute San Juan Capistrano); PubMed 33113216 (cited by Quest Diagnostics Nichols Institute San Juan Capistrano); PubMed 24928861 (cited by Johns Hopkins Genomics, Johns Hopkins University); NCBI Bookshelf NBK7014 (cited by GeneReviews).